The following is an entry in ClinVar:

NM_001375883.1(GPR161):c.505G>A (p.Val169Met)

Gene: GPR161 (G protein-coupled receptor 161; minus strand). Cytogenetic location: 1q24.2.
Variant type: single nucleotide variant.
Coding change: c.505G>A on transcript NM_001375883.1 (MANE Select); coding-DNA position 505, G replaced by A.
Protein change: p.Val169Met; replaces valine 169 with methionine.
Molecular consequence: missense variant.
Genome position (GRCh38, 1-based): chr1:168,097,102, C>T on the plus strand (G>A on the coding strand, the complement: GPR161 is on the minus strand). VCF-style: chr1-168097102-C-T. GRCh37 (hg19) VCF-style: chr1-168066340-C-T.
Other names: c.271G>A, p.Val91Met (NM_001267613.1); c.163G>A, p.Val55Met (NM_001267614.1); c.505G>A, p.Val169Met (NM_001349632.1, NM_001349633.1, NM_001349634.1 and 5 more transcripts); c.109G>A, p.Val37Met (NM_001349635.1, NM_001267612.2); c.565G>A, p.Val189Met (NM_001267609.1); c.556G>A, p.Val186Met (NM_001267611.1); short protein forms V169M, V186M, V189M, V37M, V55M, V91M.
Identifiers: ClinVar variation 2663996 (VCV002663996.5), dbSNP rs149073459, ClinGen allele CA1229681.

ClinVar aggregate classification (germline): Uncertain significance. Review status: criteria provided, multiple submitters, no conflicts (2 of 4 stars). 2 submissions from 2 submitters: Uncertain significance (2). Last evaluated 2026-10-01.

Conditions:
Medulloblastoma (MDB). Also called: Medulloblastoma, somatic; MEDULLOBLASTOMA PREDISPOSITION SYNDROME. Identifiers: Orphanet 616, MedGen C0025149, MeSH D008527, MONDO:0007959, OMIM 155255, HP:0002885.

Allele frequency attached by ClinVar (database versions not stated): gnomAD 0.00017; ExAC 0.00012; TOPMed 0.00022; ESP Exome Variant Server 0.00031; gnomAD exomes 0.00036.
gnomAD v4.1: 554 of 1,613,948 alleles (0.034%); highest among the groups gnomAD compares: Non-Finnish European, 0.044%; no homozygotes.

Submissions (2):

St. Jude Molecular Pathology, St. Jude Children's Research Hospital
Classification: Uncertain significance for Medulloblastoma. Last evaluated: 2026-10-01. Review status: criteria provided, single submitter. Criteria: St. Jude Assertion Criteria 2020. Collection method: clinical testing. Allele origin: germline.
Comment: The GPR161 c.505G>A p.(Val169Met) missense change has a maximum subpopulation frequency of 0.02% in gnomAD v2.1.1. The in silico tool REVEL predicts a benign effect on protein function, but to our knowl edge this prediction has not been confirmed by functional studies. To our knowledge, this variant has not been reported in the literature in individuals with medulloblastoma. In summary, the evidence currently available is insufficient to determine the c linical significance of this variant. It has therefore been classified as of uncertain significance.

Labcorp Genetics (formerly Invitae), Labcorp
Classification: Uncertain significance. Last evaluated: 2024-08-28. Review status: criteria provided, single submitter. Criteria: Invitae Variant Classification Sherloc (09022015). Collection method: clinical testing. Allele origin: germline.
Comment: This sequence change replaces valine, which is neutral and non-polar, with methionine, which is neutral and non-polar, at codon 189 of the GPR161 protein (p.Val189Met). This variant is present in population databases (rs149073459, gnomAD 0.03%). This variant has not been reported in the literature in individuals affected with GPR161-related conditions. ClinVar contains an entry for this variant (Variation ID: 2663996). An algorithm developed to predict the effect of missense changes on protein structure and function (PolyPhen-2) suggests that this variant is likely to be tolerated. In summary, the available evidence is currently insufficient to determine the role of this variant in disease. Therefore, it has been classified as a Variant of Uncertain Significance.